The following is an entry in ClinVar:

NM_033419.5(PGAP3):c.265C>T (p.Gln89Ter)

Gene: PGAP3 (post-GPI attachment to proteins phospholipase 3; minus strand). Cytogenetic location: 17q12.
Variant type: single nucleotide variant.
Coding change: c.265C>T on transcript NM_033419.5 (MANE Select); coding-DNA position 265, C replaced by T.
Protein change: p.Gln89Ter; replaces glutamine 89 with a stop codon.
Molecular consequence: nonsense.
Genome position (GRCh38, 1-based): chr17:39,685,936, G>A on the plus strand (C>T on the coding strand, the complement: PGAP3 is on the minus strand). VCF-style: chr17-39685936-G-A. GRCh37 (hg19) VCF-style: chr17-37842189-G-A.
Other names: c.265C>T (NM_033419.3); c.265C>T, p.Gln89Ter (NM_001291726.2, NM_001291728.2, NM_001291730.2 and 2 more transcripts); short protein forms Q89*.
Identifiers: ClinVar variation 3028899 (VCV003028899.3), dbSNP rs2145147131, ClinGen allele CA399261105.
Genomic context (GRCh38, chr17:39,685,936, plus strand): 5'-TCCTACCACGCTACTACCATATGCCTACCCTGACCCTCCAACTCACCTTGCCATGGAACT[G>A]AGGCACTTTGTGACCTTCCTGGAGGTAGAGCCCAACGGTGACCCACATACACTCATACTT-3'

ClinVar aggregate classification (germline): Pathogenic. Review status: criteria provided, multiple submitters, no conflicts (2 of 4 stars). 2 submissions from 2 submitters: Pathogenic (2). Last evaluated 2024-08-12.

Conditions:
Hyperphosphatasia with impaired intellectual development syndrome 4. Also called: GLYCOSYLPHOSPHATIDYLINOSITOL BIOSYNTHESIS DEFECT 10; Hyperphosphatasia with intellectual disability syndrome 4. Identifiers: Orphanet 247262, MedGen C3810354, MONDO:0014318, OMIM 615716.

gnomAD v4.1: 1 of 1,613,200 alleles (0.000062%); highest among the groups gnomAD compares: Non-Finnish European, 0.000085%; no homozygotes.

Submissions (2):

GeneDx
Classification: Pathogenic. Last evaluated: 2024-08-12. Review status: criteria provided, single submitter. Criteria: GeneDx Variant Classification Process June 2021. Collection method: clinical testing. Allele origin: germline. Affected: yes.
Comment: Nonsense variant predicted to result in protein truncation or nonsense mediated decay in a gene for which loss-of-function is a known mechanism of disease; Not observed in large population cohorts (gnomAD); This variant is associated with the following publications: (PMID: 32726939)

Human Genetics Section, Sidra Medicine
Classification: Pathogenic for Hyperphosphatasia with impaired intellectual development syndrome 4. Review status: criteria provided, single submitter. Criteria: ACMG Guidelines, 2015. Collection method: research. Allele origin: germline. Affected: yes. Observed: 1 variant allele.
Comment: This variant is not present in population databases (gnomAD no frequency). Well-established functional studies supportive of a damaging effect on the gene or gene product (PMID:32726939). Plus, in silico predition tools support damaging effect, so we classify the variant as pathogenic.

Literature cited by the submitters: PubMed 32726939 (cited by Human Genetics Section, Sidra Medicine).